The following is an entry in ClinVar:

ClinVar aggregate classification (germline): Likely pathogenic (1 of 4 stars; one submission).

Conditions:
Neurodevelopmental disorder with hypotonia, stereotypic hand movements, and impaired language. Also called: Intellectual disability, autosomal dominant 20. Identifiers: Orphanet 228384, Orphanet 664410, MedGen C3150700, MONDO:0013266, OMIM 613443.

Submission:

Equipe Genetique des Anomalies du Developpement, Université de Bourgogne
Classification: Likely pathogenic for Neurodevelopmental disorder with hypotonia, stereotypic hand movements, and impaired language. Last evaluated: 2024-09-27. Review status: criteria provided, single submitter. Criteria: ACMG Guidelines, 2015. Collection method: clinical testing. Allele origin: germline. Affected: yes.
Comment: The C.80G>A missense variant present in a heterozygous state alters an amino acid that is highly conserved across vertebrates. It is situated in the functional protein domain SRF-TF in a mutational hot-spot. In silico prediction scores are in favour of a damaging effect. This variant is absent from gnomAD (v4.1.0). This variant has not previously been reported in ClinVar, however two other missense variants involving the same amino acid have previously been reported as likely pathogenic in ClinVar. Pathogenic monoallelic variants in the MEF2C gene are responsible for a neurodevelopmental disorder with hypotonia, stereotypic hand movement and impaired language (OMIM #613443). Based on the available evidence, this variant is considered to be likely pathogenic according to ACMG criteria.

NM_002397.5(MEF2C):c.80G>A (p.Gly27Glu)

Gene: MEF2C (myocyte enhancer factor 2C; minus strand). Cytogenetic location: 5q14.3.
Variant type: single nucleotide variant.
Coding change: c.80G>A on transcript NM_002397.5 (MANE Select); coding-DNA position 80, G replaced by A.
Protein change: p.Gly27Glu; replaces glycine 27 with glutamic acid.
Molecular consequence: missense variant.
Genome position (GRCh38, 1-based): chr5:88,804,776, C>T on the plus strand (G>A on the coding strand, the complement: MEF2C is on the minus strand). VCF-style: chr5-88804776-C-T. GRCh37 (hg19) VCF-style: chr5-88100593-C-T.
Other names: c.80G>A, p.Gly27Glu (NM_001131005.2, NM_001193347.1, NM_001193348.1 and 29 more transcripts); short protein forms G27E.
Identifiers: ClinVar variation 3375472 (VCV003375472.2).
Genomic context (GRCh38, chr5:88,804,776, plus strand): 5'-ATGATCAGCGCAATCTCACAGTCACACAGCACGCTCAGCTCATAAGCCTTCTTCATCAAC[C>T]CAAATTTCCTCTTTGTAAATGTCACCTAGAAAAAAGAAAGCAGCCAAGATTTTTTAAAAA-3'
Protein context (NP_002388.2, residues 17-37): RQVTFTKRKF[Gly27Glu]LMKKAYELSV